The following is an entry in ClinVar:

NM_005236.3(ERCC4):c.675A>G (p.Ile225Met)

Gene: ERCC4 (ERCC excision repair 4, endonuclease catalytic subunit; plus strand). Cytogenetic location: 16p13.12.
Variant type: single nucleotide variant.
Coding change: c.675A>G on transcript NM_005236.3 (MANE Select); coding-DNA position 675, A replaced by G.
Protein change: p.Ile225Met; replaces isoleucine 225 with methionine.
Molecular consequence: missense variant.
Genome position (GRCh38, 1-based): chr16:13,928,118, A>G. VCF-style: chr16-13928118-A-G. GRCh37 (hg19) VCF-style: chr16-14021975-A-G.
Other names: short protein forms I225M.
Identifiers: ClinVar variation 4813158 (VCV004813158.1).
Genomic context (GRCh38, chr16:13,928,118, plus strand): 5'-ACAGCACAAACCTGAAGTTGTAGAAATCCATGTTTCTATGACACCTACCATGCTTGCTAT[A>G]CAGACTGCTATACTGGACATTTTAAATGCATGTCTAAAGGAACTAAAATGCCATAACCCA-3'
Protein context (NP_005227.1, residues 215-235): HVSMTPTMLA[Ile225Met]QTAILDILNA

ClinVar aggregate classification (germline): Uncertain significance (1 of 4 stars; one submission).

Conditions:
Xeroderma pigmentosum, group F (XPF). Also called: XERODERMA PIGMENTOSUM, TYPE F; Xeroderma pigmentosum, type 6; ERCC4-Related Xeroderma Pigmentosum; XERODERMA PIGMENTOSUM, COMPLEMENTATION GROUP F; XERODERMA PIGMENTOSUM VI; XP, GROUP F. Identifiers: MedGen C0268140, MONDO:0010215, OMIM 278760.

gnomAD v4.1: 1 of 1,613,268 alleles (0.000062%); highest among the groups gnomAD compares: East Asian, 0.0022%; no homozygotes.

Submission:

St. Jude Molecular Pathology, St. Jude Children's Research Hospital
Classification: Uncertain significance for Xeroderma pigmentosum, group F. Last evaluated: 2026-02-11. Review status: criteria provided, single submitter. Criteria: St. Jude Assertion Criteria 2020. Collection method: clinical testing. Allele origin: germline.
Comment: The ERCC4 c.675A>G p.(Ile225Met) missense change has a maximum subpopulation frequency of 0.0054% in gnomAD v2.1.1. The in silico tool REVEL is inconclusive about a pathogenic or benign effect of this variant on protein function. Functional studies using human fibroblasts show that this variant variant partially reduced the frequency of aberrant nuclear morphology and mitosis, and a mild decrease in cell survival after ultraviolet light exposure or mitomycin C treatment (PMID: 22353549). This variant has been reported in a compound heterozygous state in an individual with Xeroderma pigmentosum (PMID: 9580660). In summary, the evidence currently available is insufficient to determine the clinical significance of this variant. It has therefore been classified as of uncertain significance.